The following is an entry in ClinVar:

NM_018105.3(THAP1):c.47A>G (p.Lys16Arg)

Gene: THAP1 (THAP domain containing 1; minus strand). Cytogenetic location: 8p11.21.
Variant type: single nucleotide variant.
Coding change: c.47A>G on transcript NM_018105.3 (MANE Select); coding-DNA position 47, A replaced by G.
Protein change: p.Lys16Arg; replaces lysine 16 with arginine.
Molecular consequence: missense variant.
Genome position (GRCh38, 1-based): chr8:42,843,048, T>C on the plus strand (A>G on the coding strand, the complement: THAP1 is on the minus strand). VCF-style: chr8-42843048-T-C. GRCh37 (hg19) VCF-style: chr8-42698191-T-C.
Other names: c.47A>G, p.Lys16Arg (NM_199003.2); short protein forms K16R.
Identifiers: ClinVar variation 908644 (VCV000908644.4), dbSNP rs751550215, ClinGen allele CA4734633.

ClinVar aggregate classification (germline): Benign (1 of 4 stars; one submission).

Conditions:
Torsion dystonia 6 (DYT6). Also called: DYT-THAP1. Identifiers: Orphanet 98806, MedGen C1414216, MONDO:0011264, OMIM 602629.

Allele frequency attached by ClinVar (database versions not stated): gnomAD exomes 0.00002 and 0.00006; ExAC 0.00012.

Submission:

Illumina Laboratory Services, Illumina
Classification: Benign for Torsion dystonia 6. Last evaluated: 2018-03-06. Review status: criteria provided, single submitter. Criteria: ICSL Variant Classification Criteria 13 December 2019. Collection method: clinical testing. Allele origin: germline.
Comment: This variant was observed in the ICSL laboratory as part of a predisposition screen in an ostensibly healthy population. It had not been previously curated by ICSL or reported in the Human Gene Mutation Database (HGMD: prior to June 1st, 2018), and was therefore a candidate for classification through an automated scoring system. Utilizing variant allele frequency, disease prevalence and penetrance estimates, and inheritance mode, an automated score was calculated to assess if this variant is too frequent to cause the disease. Based on the score and internal cut-off values, a variant classified as benign is not then subjected to further curation. The score for this variant resulted in a classification of benign for this disease.